The following is an entry in ClinVar:

ClinVar aggregate classification (germline): Uncertain significance (1 of 4 stars; one submission).

Conditions:
Oligodontia-cancer predisposition syndrome. Also called: TOOTH AGENESIS-COLORECTAL CANCER SYNDROME. Identifiers: Orphanet 300576, MedGen C1837750, MONDO:0012075, OMIM 608615. Disease mechanism: loss of function.

Submission:

Labcorp Genetics (formerly Invitae), Labcorp
Classification: Uncertain significance for Oligodontia-cancer predisposition syndrome. Last evaluated: 2024-01-21. Review status: criteria provided, single submitter. Criteria: Invitae Variant Classification Sherloc (09022015). Collection method: clinical testing. Allele origin: germline.
Comment: This variant, c.217_222del, results in the deletion of 2 amino acid(s) of the AXIN2 protein (p.Ser73_Pro74del), but otherwise preserves the integrity of the reading frame. This variant is not present in population databases (gnomAD no frequency). This variant has not been reported in the literature in individuals affected with AXIN2-related conditions. Experimental studies and prediction algorithms are not available or were not evaluated, and the functional significance of this variant is currently unknown. In summary, the available evidence is currently insufficient to determine the role of this variant in disease. Therefore, it has been classified as a Variant of Uncertain Significance.

NM_004655.4(AXIN2):c.217_222del (p.Ser73_Pro74del)

Gene: AXIN2 (axin 2; minus strand). Cytogenetic location: 17q24.1.
Variant type: Deletion.
Coding change: c.217_222del on transcript NM_004655.4 (MANE Select); coding-DNA positions 217 to 222, 6 bases deleted (TCCCCT; older notation c.217_222delTCCCCT).
Protein change: p.Ser73_Pro74del.
Molecular consequence: inframe deletion.
Genome position (GRCh38, 1-based): chr17:65,558,399-65,558,404, AGGGGA deleted on the plus strand (TCCCCT on the coding strand, the reverse complement: AXIN2 is on the minus strand); deleting any 6 consecutive bases within chr17:65,558,399-65,558,405 gives the same sequence; the c. name uses the placement nearest the transcript's 3' end. VCF-style (leftmost placement, unchanged base first): chr17-65558398-GAGGGGA-G. GRCh37 (hg19) VCF-style: chr17-63554516-GAGGGGA-G.
Other names: c.217_222del, p.Ser73_Pro74del (NM_001363813.1).
Identifiers: ClinVar variation 2710599 (VCV002710599.3), dbSNP rs2544253690, ClinGen allele CA2697555077.